The following is an entry in ClinVar:

NM_194454.3(KRIT1):c.1762dup (p.Thr588fs)

Gene: KRIT1 (KRIT1 ankyrin repeat containing; minus strand). Cytogenetic location: 7q21.2.
Variant type: Duplication.
Coding change: c.1762dup on transcript NM_194454.3 (MANE Select); coding-DNA position 1762, one base duplicated (A; older notation c.1762dupA).
Protein change: p.Thr588fs; shifts the reading frame from threonine 588.
Molecular consequence: frameshift variant.
Genome position (GRCh38, 1-based): chr7:92,213,948, T duplicated on the plus strand (A on the coding strand, the reverse complement: KRIT1 is on the minus strand). VCF-style (leftmost placement, unchanged base first): chr7-92213947-G-GT. GRCh37 (hg19) VCF-style: chr7-91843261-G-GT.
Other names: c.1762dupA (NM_194456.1); c.1618dup, p.Thr540fs (NM_001013406.2, NM_001350669.1, NM_001350670.1); c.1048dup, p.Thr350fs (NM_001350671.1); c.1762dup, p.Thr588fs (NM_001350672.1, NM_001350673.1, NM_001350674.1 and 26 more transcripts); short protein forms T350fs, T540fs, T588fs.
Identifiers: ClinVar variation 418704 (VCV000418704.2), dbSNP rs1554503705, ClinGen allele CA16618571.

ClinVar aggregate classification (germline): Pathogenic (1 of 4 stars; one submission).

Submission:

GeneDx
Classification: Pathogenic. Last evaluated: 2015-03-13. Review status: criteria provided, single submitter. Criteria: GeneDx Variant Classification (06012015). Collection method: clinical testing. Allele origin: germline. Affected: yes.
Comment: The c.1762dupA variant in the KRIT1 gene causes a frameshift starting with codon Threonine 588,changes this amino acid to an Asparagine residue and creates a premature Stop codon at position 6 of thenew reading frame, denoted p.Thr588AsnfsX6. This duplication is predicted to cause loss of normal proteinfunction either through protein truncation or nonsense-mediated mRNA decay. Although this variant hasnot been previously reported to our knowledge, we consider it as pathogenic.